The following is an entry in ClinVar:

ClinVar aggregate classification (germline): Uncertain significance (1 of 4 stars; one submission).

Conditions:
Bardet-Biedl syndrome (BBS). Identifiers: Orphanet 110, MedGen C0752166, MONDO:0015229.

Submission:

Labcorp Genetics (formerly Invitae), Labcorp
Classification: Uncertain significance for Bardet-Biedl syndrome. Last evaluated: 2024-10-22. Review status: criteria provided, single submitter. Criteria: Invitae Variant Classification Sherloc (09022015). Collection method: clinical testing. Allele origin: germline.
Comment: This sequence change replaces leucine, which is neutral and non-polar, with proline, which is neutral and non-polar, at codon 710 of the BBS2 protein (p.Leu710Pro). This variant is not present in population databases (gnomAD no frequency). This variant has not been reported in the literature in individuals affected with BBS2-related conditions. ClinVar contains an entry for this variant (Variation ID: 998613). Invitae Evidence Modeling of protein sequence and biophysical properties (such as structural, functional, and spatial information, amino acid conservation, physicochemical variation, residue mobility, and thermodynamic stability) indicates that this missense variant is expected to disrupt BBS2 protein function with a positive predictive value of 80%. In summary, the available evidence is currently insufficient to determine the role of this variant in disease. Therefore, it has been classified as a Variant of Uncertain Significance.

NM_031885.5(BBS2):c.2129T>C (p.Leu710Pro)

Gene: BBS2 (Bardet-Biedl syndrome 2; minus strand). Cytogenetic location: 16q13.
Variant type: single nucleotide variant.
Coding change: c.2129T>C on transcript NM_031885.5 (MANE Select); coding-DNA position 2129, T replaced by C.
Protein change: p.Leu710Pro; replaces leucine 710 with proline.
Molecular consequence: missense variant. On other transcripts: non-coding transcript variant (5).
Genome position (GRCh38, 1-based): chr16:56,484,798, A>G on the plus strand (T>C on the coding strand, the complement: BBS2 is on the minus strand). VCF-style: chr16-56484798-A-G. GRCh37 (hg19) VCF-style: chr16-56518710-A-G.
Other names: c.2129T>C, p.Leu710Pro (NM_001377456.1); short protein forms L710P.
Identifiers: ClinVar variation 998613 (VCV000998613.8), dbSNP rs1963728191, ClinGen allele CA395972306.